The following is an entry in ClinVar:

NM_015100.4(POGZ):c.2655del (p.Thr886fs)

Gene: POGZ (pogo transposable element derived with ZNF domain; minus strand). Cytogenetic location: 1q21.3.
Variant type: Deletion.
Coding change: c.2655del on transcript NM_015100.4 (MANE Select); coding-DNA position 2655, one base deleted (C; older notation c.2655delC).
Protein change: p.Thr886fs; shifts the reading frame from threonine 886.
Molecular consequence: frameshift variant.
Genome position (GRCh38, 1-based): chr1:151,406,380, G deleted on the plus strand (C on the coding strand, the reverse complement: POGZ is on the minus strand); the first of 2 consecutive G bases (chr1:151,406,380-151,406,381); deleting either gives the same sequence. VCF-style (leftmost placement, unchanged base first): chr1-151406379-TG-T. GRCh37 (hg19) VCF-style: chr1-151378855-TG-T.
Other names: c.2628del, p.Thr877fs (NM_001194937.2); c.2469del, p.Thr824fs (NM_001194938.2); c.2370del, p.Thr791fs (NM_145796.4); c.2496del, p.Thr833fs (NM_207171.2); short protein forms T824fs, T833fs, T886fs, T791fs, T877fs.
Identifiers: ClinVar variation 817793 (VCV000817793.1), dbSNP rs1571328045, ClinGen allele CA915941414.
Genomic context (GRCh38, chr1:151,406,379, plus strand): 5'-GGGCTAAGGGAGTTAGTAGCTCTTCAGGCTCAGCTGGGGTGGCCCCCGCAGATTTCACAG[TG>T]GCAGCTTTGTTAGTGGGGAAGGAAGGAGGAGGGTACATATTCTTCACGTTCCGGTCATGC-3'

ClinVar aggregate classification (germline): Likely pathogenic (1 of 4 stars; one submission).

Submission:

GeneDx
Classification: Likely pathogenic. Last evaluated: 2018-08-21. Review status: criteria provided, single submitter. Criteria: GeneDx Variant Classification (06012015). Collection method: clinical testing. Allele origin: germline. Affected: yes.
Comment: The c.2655delC variant in the POGZ gene has not been reported previously as a pathogenic variant nor as a benign variant, to our knowledge. This variant causes a frameshift starting with codon Threonine 886, changes this amino acid to a Leucine residue, and creates a premature Stop codon at position 2 of the new reading frame, denoted p.Thr886LeufsX2. This variant is predicted to cause loss of normal protein function through protein truncation, as the last 525 amino acids of the protein are replaced with 1 incorrect amino acid. The c.2655delC variant is not observed in large population cohorts (Lek et al., 2016). We interpret c.2655delC as a likely pathogenic variant.